The following is an entry in ClinVar:

ClinVar aggregate classification (germline): Benign. Review status: criteria provided, multiple submitters, no conflicts (2 of 4 stars). 5 submissions from 5 submitters: Benign (4). 1 of the submissions does not count toward it. Last evaluated 2018-01-13.

Conditions:
Renal tubular acidosis with progressive nerve deafness. Also called: renal tubular acidosis, distal, 2, with progressive sensorineural hearing loss; Distal Renal Tubular Acidosis with Progressive Sensorineural Deafness; RENAL TUBULAR ACIDOSIS, AUTOSOMAL RECESSIVE, WITH PROGRESSIVE NERVE DEAFNESS; RTA WITH PROGRESSIVE NERVE DEAFNESS. Identifiers: MedGen C0403554, MONDO:0009968, OMIM 267300.

Allele frequency attached by ClinVar (database versions not stated): gnomAD exomes 0.00267 and 0.00665; ExAC 0.00799; gnomAD 0.02657 and 0.02854; ESP Exome Variant Server 0.02830; 1000 Genomes Project 0.02855; TOPMed 0.03009; 1000 Genomes Project 30x 0.03029.
gnomAD v4.1: 8,092 of 1,606,664 alleles (0.5%); highest among the groups gnomAD compares: African/African-American, 9.7%; 355 homozygotes.

Submissions (5):

Illumina Laboratory Services, Illumina
Classification: Benign for Renal tubular acidosis with progressive nerve deafness. Last evaluated: 2018-01-13. Review status: criteria provided, single submitter. Criteria: ICSL Variant Classification Criteria 13 December 2019. Collection method: clinical testing. Allele origin: germline.
Comment: This variant was observed in the ICSL laboratory as part of a predisposition screen in an ostensibly healthy population. It had not been previously curated by ICSL or reported in the Human Gene Mutation Database (HGMD: prior to June 1st, 2018), and was therefore a candidate for classification through an automated scoring system. Utilizing variant allele frequency, disease prevalence and penetrance estimates, and inheritance mode, an automated score was calculated to assess if this variant is too frequent to cause the disease. Based on the score and internal cut-off values, a variant classified as benign is not then subjected to further curation. The score for this variant resulted in a classification of benign for this disease.

GeneDx
Classification: Benign. Last evaluated: 2018-01-11. Review status: criteria provided, single submitter. Criteria: GeneDx Variant Classification Process June 2021. Collection method: clinical testing. Allele origin: germline. Affected: yes.

Laboratory for Molecular Medicine, Mass General Brigham Personalized Medicine
Classification: Benign. Last evaluated: 2012-05-07. Review status: criteria provided, single submitter. Criteria: LMM Criteria. Collection method: clinical testing. Allele origin: germline. Observed: 26 variant alleles.
Comment: *12G>A in Exon 14 of ATP6V1B1: This variant is not expected to have clinical sig nificance because it has been identified in 8.1% (301/3718) of African American chromosomes from a broad population by the NHLBI Exome Sequencing Project (dbSNP rs77794859).

Breakthrough Genomics
Classification: Benign. Review status: criteria provided, single submitter. Criteria: ACMG Guidelines, 2015. Collection method: not provided. Allele origin: germline. Inheritance: Autosomal recessive inheritance. Affected: yes.

Counsyl
Classification: Benign for Renal tubular acidosis with progressive nerve deafness. Last evaluated: 2017-03-06. Review status: no assertion criteria provided. Collection method: clinical testing. Allele origin: unknown. Not counted in ClinVar's aggregate classification.

NM_001692.4(ATP6V1B1):c.*12G>A

Gene: ATP6V1B1 (ATPase H+ transporting V1 subunit B1; plus strand). Cytogenetic location: 2p13.3.
Variant type: single nucleotide variant.
Coding change: c.*12G>A on transcript NM_001692.4 (MANE Select); 12 bases downstream of the stop codon, G replaced by A.
Molecular consequence: 3 prime UTR variant.
Genome position (GRCh38, 1-based): chr2:70,965,133, G>A. VCF-style: chr2-70965133-G-A. GRCh37 (hg19) VCF-style: chr2-71192263-G-A.
Other names: c.*12G>A.
Identifiers: ClinVar variation 44220 (VCV000044220.12), dbSNP rs77794859, ClinGen allele CA133771.